The following is an entry in ClinVar:

NM_021971.4(GMPPB):c.106C>T (p.His36Tyr)

Gene: GMPPB (GDP-mannose pyrophosphorylase B; minus strand). Cytogenetic location: 3p21.31.
Variant type: single nucleotide variant.
Coding change: c.106C>T on transcript NM_021971.4 (MANE Select); coding-DNA position 106, C replaced by T.
Protein change: p.His36Tyr; replaces histidine 36 with tyrosine.
Molecular consequence: missense variant.
Genome position (GRCh38, 1-based): chr3:49,723,621, G>A on the plus strand (C>T on the coding strand, the complement: GMPPB is on the minus strand). VCF-style: chr3-49723621-G-A. GRCh37 (hg19) VCF-style: chr3-49761054-G-A.
Other names: c.106C>T, p.His36Tyr (NM_013334.4); short protein forms H36Y.
Identifiers: ClinVar variation 2092307 (VCV002092307.4), dbSNP rs2080460283, ClinGen allele CA352831374.
Genomic context (GRCh38, chr3:49,723,621, plus strand): 5'-ATCCGAACGCGACTCTGATCCCGACCCAGGGTCTTACCGCGGCTAGCGCCTCCACTTGGT[G>A]CAGCAAGATGGGCTTATTGCAGAAGTCCACCAGTGGCTTCGGGGTGCTCAGCGTCAGCGG-3'
Protein context (NP_068806.2, residues 26-46): VDFCNKPILL[His36Tyr]QVEALAAAGV

ClinVar aggregate classification (germline): Uncertain significance (1 of 4 stars; one submission).

Conditions:
Muscular dystrophy-dystroglycanopathy (congenital with impaired intellectual development), type B, 14. Also called: Muscular dystrophy-dystroglycanopathy (congenital with intellectual disability), type B14; MUSCULAR DYSTROPHY, CONGENITAL, GMPPB-RELATED; Congenital muscular dystrophy-dystroglycanopathy with mental retardation, type B14. Identifiers: MedGen C3809221, MONDO:0014141, OMIM 615351.
Muscular dystrophy-dystroglycanopathy (congenital with brain and eye anomalies), type A14. Also called: WALKER-WARBURG SYNDROME OR MUSCLE-EYE-BRAIN DISEASE, GMPPB-RELATED; Muscular dystrophy-dystroglycanopathy (congenital with brain and eye anomalies), type a, 14; Congenital Muscular Dystrophy-Dystroglycanopathy with Brain and Eye Anomalies Type A 14; Congenital muscular dystrophy-dystroglycanopathy with brain and eye anomalies, type A14. Identifiers: Orphanet 588, MedGen C3809216, MONDO:0014140, OMIM 615350.
Autosomal recessive limb-girdle muscular dystrophy type 2T. Also called: MUSCULAR DYSTROPHY-DYSTROGLYCANOPATHY, LIMB-GIRDLE, GMPPB-RELATED; MUSCULAR DYSTROPHY, LIMB-GIRDLE, TYPE 2T; Muscular dystrophy-dystroglycanopathy (limb-girdle), type c, 14; Limb-girdle muscular dystrophy-dystroglycanopathy, type C14. Identifiers: Orphanet 363623, MedGen C4518000, MONDO:0014142, OMIM 615352.

Submission:

Labcorp Genetics (formerly Invitae), Labcorp
Classification: Uncertain significance for Autosomal recessive limb-girdle muscular dystrophy type 2T; Muscular dystrophy-dystroglycanopathy (congenital with brain and eye anomalies), type A14; Muscular dystrophy-dystroglycanopathy (congenital with impaired intellectual development), type B, 14. Last evaluated: 2022-02-03. Review status: criteria provided, single submitter. Criteria: Invitae Variant Classification Sherloc (09022015). Collection method: clinical testing. Allele origin: germline.
Comment: In summary, the available evidence is currently insufficient to determine the role of this variant in disease. Therefore, it has been classified as a Variant of Uncertain Significance. Advanced modeling of protein sequence and biophysical properties (such as structural, functional, and spatial information, amino acid conservation, physicochemical variation, residue mobility, and thermodynamic stability) performed at Invitae indicates that this missense variant is expected to disrupt GMPPB protein function. This variant has not been reported in the literature in individuals affected with GMPPB-related conditions. This variant is not present in population databases (gnomAD no frequency). This sequence change replaces histidine, which is basic and polar, with tyrosine, which is neutral and polar, at codon 36 of the GMPPB protein (p.His36Tyr).